The following is an entry in ClinVar:

ClinVar aggregate classification (germline): Uncertain significance (1 of 4 stars; one submission).

Conditions:
PRPH2-related disorder. Also called: PRPH2-related condition; PRPH2-related disorders. Identifiers: MedGen CN239395.

Allele frequency attached by ClinVar (database versions not stated): gnomAD exomes below 0.00001.
gnomAD v4.1: 2 of 1,613,282 alleles (0.00012%); highest among the groups gnomAD compares: Admixed American, 0.0017%; no homozygotes.

Submission:

Labcorp Genetics (formerly Invitae), Labcorp
Classification: Uncertain significance for PRPH2-related disorder. Last evaluated: 2025-11-18. Review status: criteria provided, single submitter. Criteria: Invitae Variant Classification Sherloc (09022015). Collection method: clinical testing. Allele origin: germline.
Comment: This sequence change replaces valine, which is neutral and non-polar, with alanine, which is neutral and non-polar, at codon 247 of the PRPH2 protein (p.Val247Ala). This variant is not present in population databases (gnomAD no frequency). This variant has not been reported in the literature in individuals affected with PRPH2-related conditions. ClinVar contains an entry for this variant (Variation ID: 2144084). Invitae Evidence Modeling of protein sequence and biophysical properties (such as structural, functional, and spatial information, amino acid conservation, physicochemical variation, residue mobility, and thermodynamic stability) indicates that this missense variant is not expected to disrupt PRPH2 protein function with a negative predictive value of 95%. In summary, the available evidence is currently insufficient to determine the role of this variant in disease. Therefore, it has been classified as a Variant of Uncertain Significance.

NM_000322.5(PRPH2):c.740T>C (p.Val247Ala)

Gene: PRPH2 (peripherin 2; minus strand). Cytogenetic location: 6p21.1.
Variant type: single nucleotide variant.
Coding change: c.740T>C on transcript NM_000322.5 (MANE Select); coding-DNA position 740, T replaced by C.
Protein change: p.Val247Ala; replaces valine 247 with alanine.
Molecular consequence: missense variant.
Genome position (GRCh38, 1-based): chr6:42,704,453, A>G on the plus strand (T>C on the coding strand, the complement: PRPH2 is on the minus strand). VCF-style: chr6-42704453-A-G. GRCh37 (hg19) VCF-style: chr6-42672191-A-G.
Other names: short protein forms V247A.
Identifiers: ClinVar variation 2144084 (VCV002144084.4), dbSNP rs1473093874, ClinGen allele CA364135017.